The following is an entry in ClinVar:

NM_003482.4(KMT2D):c.11132C>G (p.Pro3711Arg)

Gene: KMT2D (lysine methyltransferase 2D; minus strand). Cytogenetic location: 12q13.12.
Variant type: single nucleotide variant.
Coding change: c.11132C>G on transcript NM_003482.4 (MANE Select); coding-DNA position 11132, C replaced by G.
Protein change: p.Pro3711Arg; replaces proline 3711 with arginine.
Molecular consequence: missense variant.
Genome position (GRCh38, 1-based): chr12:49,033,573, G>C on the plus strand (C>G on the coding strand, the complement: KMT2D is on the minus strand). VCF-style: chr12-49033573-G-C. GRCh37 (hg19) VCF-style: chr12-49427356-G-C.
Other names: short protein forms P3711R.
Identifiers: ClinVar variation 975420 (VCV000975420.4), dbSNP rs967055107, ClinGen allele CA384723424.
Genomic context (GRCh38, chr12:49,033,573, plus strand): 5'-GCCAGCTGCATACGTTGCTGCTGCAGCTGCAGCTGCCTTTCCTGTAAAAGCCTTGAATCA[G>C]GTCCGAGGCTTCGAAGAGCAAGGTTGCCAGGGAAGAAGCCCCCTGAAGGGCCAGCCAGGG-3'
Protein context (NP_003473.3, residues 3701-3721): PGNLALRSLG[Pro3711Arg]DSRLLQERQL

ClinVar aggregate classification (germline): Conflicting classifications of pathogenicity. Review status: criteria provided, conflicting classifications (1 of 4 stars). 3 submissions from 3 submitters: Uncertain significance (1); Likely benign (1). 1 of the submissions does not count toward it. Last evaluated 2026-05-21.

Conditions:
KMT2D-related disorder. Also called: KMT2D-Related Disorders.
Intellectual disability. Also called: Intellectual developmental disorder; Intellectual functioning disability; intellectual disabilities. Identifiers: MedGen C3714756, MeSH D008607, MONDO:0001071, HP:0001249.
Kabuki syndrome. Also called: Kabuki make-up syndrome; NIIKAWA-KUROKI SYNDROME. Identifiers: Orphanet 2322, MedGen C0796004, MONDO:0016512.

gnomAD v4.1: 3 of 1,613,566 alleles (0.00019%); highest among the groups gnomAD compares: South Asian, 0.0011%; no homozygotes.

Submissions (3):

PreventionGenetics, part of Exact Sciences
Classification: Uncertain significance for KMT2D-related condition. Last evaluated: 2026-05-21. Review status: criteria provided, single submitter. Criteria: ACMG Guidelines, 2015. Collection method: clinical testing. Allele origin: germline.
Comment: The KMT2D c.11132C>G variant is predicted to result in the amino acid substitution p.Pro3711Arg. To our knowledge, this variant has not been reported in the literature or in a large population database (gnomAD), indicating this variant is rare. At this time, the clinical significance of this variant is uncertain due to the absence of conclusive functional and genetic evidence.

Labcorp Genetics (formerly Invitae), Labcorp
Classification: Likely benign for Kabuki syndrome. Last evaluated: 2025-05-05. Review status: criteria provided, single submitter. Criteria: Invitae Variant Classification Sherloc (09022015). Collection method: clinical testing. Allele origin: germline.

Centre de Biologie Pathologie Génétique, Centre Hospitalier Universitaire de Lille
Classification: Likely benign for Intellectual disability. Last evaluated: 2019-01-01. Review status: no assertion criteria provided. Collection method: clinical testing. Allele origin: inherited. Affected: yes. Not counted in ClinVar's aggregate classification.